The following is an entry in ClinVar:

NM_022836.4(DCLRE1B):c.961G>A (p.Asp321Asn)

Gene: DCLRE1B (DNA cross-link repair 1B; plus strand). Cytogenetic location: 1p13.2.
Variant type: single nucleotide variant.
Coding change: c.961G>A on transcript NM_022836.4 (MANE Select); coding-DNA position 961, G replaced by A.
Protein change: p.Asp321Asn; replaces aspartic acid 321 with asparagine.
Molecular consequence: missense variant.
Genome position (GRCh38, 1-based): chr1:113,911,553, G>A. VCF-style: chr1-113911553-G-A. GRCh37 (hg19) VCF-style: chr1-114454175-G-A.
Other names: c.583G>A, p.Asp195Asn (NM_001319946.2, NM_001319947.2, NM_001363691.2); c.961G>A, p.Asp321Asn (NM_001363690.2); short protein forms D195N, D321N.
Identifiers: ClinVar variation 1055594 (VCV001055594.9), dbSNP rs370614998, ClinGen allele CA1016504.

ClinVar aggregate classification (germline): Uncertain significance (1 of 4 stars; one submission).

Conditions:
Hoyeraal-Hreidarsson syndrome (HHS). Also called: CEREBELLAR HYPOPLASIA WITH PANCYTOPENIA. Identifiers: Orphanet 3322, MedGen C1846142, MONDO:0018045.
Autosomal recessive dyskeratosis congenita. Identifiers: MedGen C3502105.

Allele frequency attached by ClinVar (database versions not stated): gnomAD exomes 0.00005 and 0.00008; ExAC 0.00008; ESP Exome Variant Server 0.00015.

Submission:

Labcorp Genetics (formerly Invitae), Labcorp
Classification: Uncertain significance for Hoyeraal-Hreidarsson syndrome; Autosomal recessive dyskeratosis congenita. Last evaluated: 2020-04-14. Review status: criteria provided, single submitter. Criteria: Invitae Variant Classification Sherloc (09022015). Collection method: clinical testing. Allele origin: germline.
Comment: This sequence change replaces aspartic acid with asparagine at codon 321 of the DCLRE1B protein (p.Asp321Asn). The aspartic acid residue is weakly conserved and there is a small physicochemical difference between aspartic acid and asparagine. This variant is present in population databases (rs370614998, ExAC 0.02%). This variant has not been reported in the literature in individuals with DCLRE1B-related conditions. Algorithms developed to predict the effect of missense changes on protein structure and function output the following: SIFT: "Tolerated"; PolyPhen-2: "Benign"; Align-GVGD: "Class C0". The asparagine amino acid residue is found in multiple mammalian species, suggesting that this missense change does not adversely affect protein function. These predictions have not been confirmed by published functional studies and their clinical significance is uncertain. In summary, the available evidence is currently insufficient to determine the role of this variant in disease. Therefore, it has been classified as a Variant of Uncertain Significance.